The following is an entry in ClinVar:

ClinVar aggregate classification (germline): Likely pathogenic. Review status: criteria provided, multiple submitters, no conflicts (2 of 4 stars). 2 submissions from 2 submitters: Likely pathogenic (2). Last evaluated 2025-11-20.

Conditions:
Long QT syndrome 1 (LQT1). Identifiers: Orphanet 101016, Orphanet 768, MedGen C4551647, MONDO:0100316, OMIM 192500, MONDO:0008646.
Cardiovascular phenotype. Identifiers: MedGen CN230736.

Submissions (2):

Ambry Genetics
Classification: Likely pathogenic for Cardiovascular phenotype. Last evaluated: 2025-11-20. Review status: criteria provided, single submitter. Criteria: Ambry Variant Classification Scheme 2023. Collection method: clinical testing. Allele origin: germline.
Comment: The c.683+1G>T intronic variant results from a G to T substitution one nucleotide after coding exon 4 of the KCNQ1 gene. This variant is considered to be rare based on population cohorts in the Genome Aggregation Database (gnomAD). This nucleotide position is highly conserved in available vertebrate species. In silico splice site analysis predicts that this alteration will weaken the native splice donor site. Alterations that disrupt the canonical splice site are expected to cause aberrant splicing, resulting in an abnormal protein or a transcript that is subject to nonsense-mediated mRNA decay. As such, this alteration is classified as likely pathogenic.

Juno Genomics, Hangzhou Juno Genomics, Inc
Classification: Likely pathogenic for Long QT syndrome 1. Review status: criteria provided, single submitter. Criteria: ACMG Guidelines, 2015. Collection method: clinical testing. Allele origin: germline.
Comment: Absent from controls (or at extremely low frequency if recessive) in Genome Aggregation Database.;Null variant in a gene where loss of function (LOF) is a known mechanism of disease.

NM_000218.3(KCNQ1):c.683+1G>T

Gene: KCNQ1 (potassium voltage-gated channel subfamily Q member 1; plus strand). Cytogenetic location: 11p15.5.
Variant type: single nucleotide variant.
Coding change: c.683+1G>T on transcript NM_000218.3 (MANE Select); the canonical splice donor site of the intron after coding-DNA position 683, G replaced by T.
Molecular consequence: splice donor variant. On other transcripts: intron variant (1).
Genome position (GRCh38, 1-based): chr11:2,571,404, G>T. VCF-style: chr11-2571404-G-T. GRCh37 (hg19) VCF-style: chr11-2592634-G-T.
Other names: c.413+1G>T (NM_001406837.1); c.683+1G>T (NM_001406836.1); c.478-12031G>T (NM_001406838.1); c.302+1G>T (NM_181798.2).
Identifiers: ClinVar variation 4614411 (VCV004614411.3).